The following is an entry in ClinVar:

ClinVar aggregate classification (germline): Pathogenic (1 of 4 stars; one submission).

Submission:

Labcorp Genetics (formerly Invitae), Labcorp
Classification: Pathogenic. Last evaluated: 2017-11-09. Review status: criteria provided, single submitter. Criteria: Invitae Variant Classification Sherloc (09022015). Collection method: clinical testing. Allele origin: germline.
Comment: For these reasons, this variant has been classified as Pathogenic. Different truncations (p.His720* and p.His758Leufs*30) that lie downstream of this variant have been determined to be pathogenic (PMID: 28575650, 26757139). This suggests that deletion of this region of the CTNNB1 protein is causative of disease. This variant has not been reported in the literature in individuals with CTNNB1-related disease. This variant is not present in population databases (ExAC no frequency). This sequence change results in a premature translational stop signal in the CTNNB1 gene (p.Pro714Leufs*21). While this is not anticipated to result in nonsense mediated decay, it is expected to disrupt the last 68 amino acids of the CTNNB1 protein.

Literature cited by the submitters: PubMed 28575650; PubMed 26757139.

NM_001904.4(CTNNB1):c.2139del (p.Pro714fs)

Gene: CTNNB1 (catenin beta 1; plus strand). Cytogenetic location: 3p22.1.
Variant type: Deletion.
Coding change: c.2139del on transcript NM_001904.4 (MANE Select); coding-DNA position 2139, one base deleted (T; older notation c.2139delT).
Protein change: p.Pro714fs; shifts the reading frame from proline 714.
Molecular consequence: frameshift variant.
Genome position (GRCh38, 1-based): chr3:41,239,135, T deleted. VCF-style (leftmost placement, unchanged base first): chr3-41239134-AT-A. GRCh37 (hg19) VCF-style: chr3-41280625-AT-A.
Other names: c.2139del, p.Pro714fs (NM_001098209.2, NM_001098210.2); c.2118del, p.Pro707fs (NM_001330729.2); short protein forms P707fs, P714fs.
Identifiers: ClinVar variation 1075754 (VCV001075754.5), dbSNP rs2125652997, ClinGen allele CA2499216782.